The following is an entry in ClinVar:

NM_000030.3(AGXT):c.742G>T (p.Ala248Ser)

Gene: AGXT (alanine--glyoxylate aminotransferase; plus strand). Cytogenetic location: 2q37.3.
Variant type: single nucleotide variant.
Coding change: c.742G>T on transcript NM_000030.3 (MANE Select); coding-DNA position 742, G replaced by T.
Protein change: p.Ala248Ser; replaces alanine 248 with serine.
Molecular consequence: missense variant.
Genome position (GRCh38, 1-based): chr2:240,875,170, G>T. VCF-style: chr2-240875170-G-T. GRCh37 (hg19) VCF-style: chr2-241814587-G-T.
Other names: short protein forms A248S.
Identifiers: ClinVar variation 204048 (VCV000204048.7), dbSNP rs180177260, ClinGen allele CA275588.

ClinVar aggregate classification (germline): Conflicting classifications of pathogenicity. Review status: criteria provided, conflicting classifications (1 of 4 stars). 4 submissions from 4 submitters: Uncertain significance (3); Likely benign (1). Last evaluated 2025-04-11.

Conditions:
Inborn genetic diseases. Identifiers: MedGen C0950123, MeSH D030342.
Primary hyperoxaluria, type I (HP1). Also called: GLYCOLIC ACIDURIA; HEPATIC AGT DEFICIENCY; OXALOSIS I; Primary hyperoxaluria type 1. Identifiers: Orphanet 416, Orphanet 93598, MedGen C0268164, MONDO:0009823, OMIM 259900. Disease mechanism: loss of function.

Allele frequency attached by ClinVar (database versions not stated): ExAC 0.00004; gnomAD 0.00004 and 0.00003; TOPMed 0.00005; gnomAD exomes 0.00006 and 0.00003; ESP Exome Variant Server 0.00008.
gnomAD v4.1: 97 of 1,613,852 alleles (0.006%); highest among the groups gnomAD compares: Non-Finnish European, 0.0081%; no homozygotes.

Submissions (4):

Ambry Genetics
Classification: Uncertain significance for Inborn genetic diseases. Last evaluated: 2025-04-11. Review status: criteria provided, single submitter. Criteria: Ambry Variant Classification Scheme 2023. Collection method: clinical testing. Allele origin: germline.

Clinical Biochemistry Laboratory, Health Services Laboratory
Classification: Likely benign for Primary hyperoxaluria, type I. Last evaluated: 2023-10-27. Review status: criteria provided, single submitter. Criteria: ACMG Guidelines, 2015. Collection method: clinical testing. Allele origin: germline. Affected: yes.
Comment: Enzyme has 75% normal activity in vitro (PMID:19479957). ACMG:PM2 BS3 BP4

Labcorp Genetics (formerly Invitae), Labcorp
Classification: Uncertain significance. Last evaluated: 2022-06-09. Review status: criteria provided, single submitter. Criteria: Invitae Variant Classification Sherloc (09022015). Collection method: clinical testing. Allele origin: germline.
Comment: This sequence change replaces alanine, which is neutral and non-polar, with serine, which is neutral and polar, at codon 248 of the AGXT protein (p.Ala248Ser). This variant is present in population databases (rs180177260, gnomAD 0.006%). This missense change has been observed in individual(s) with clinical features of primary hyperoxaluria type I (PMID: 19479957). ClinVar contains an entry for this variant (Variation ID: 204048). Advanced modeling of protein sequence and biophysical properties (such as structural, functional, and spatial information, amino acid conservation, physicochemical variation, residue mobility, and thermodynamic stability) performed at Invitae indicates that this missense variant is expected to disrupt AGXT protein function. Experimental studies are conflicting or provide insufficient evidence to determine the effect of this variant on AGXT function (PMID: 19479957). In summary, the available evidence is currently insufficient to determine the role of this variant in disease. Therefore, it has been classified as a Variant of Uncertain Significance.

Fulgent Genetics
Classification: Uncertain significance for Primary hyperoxaluria, type I. Last evaluated: 2021-08-17. Review status: criteria provided, single submitter. Criteria: ACMG Guidelines, 2015. Collection method: clinical testing. Allele origin: unknown.

Literature cited by the submitters: PubMed 19479957 (cited by Clinical Biochemistry Laboratory, Health Services Laboratory and Labcorp Genetics (formerly Invitae), Labcorp).